The following is an entry in ClinVar:

ClinVar aggregate classification (germline): Pathogenic. Review status: criteria provided, multiple submitters, no conflicts (2 of 4 stars). 2 submissions from 2 submitters: Pathogenic (2). Last evaluated 2023-03-16.

Conditions:
Congenital contractural arachnodactyly (CCA). Also called: Arthrogryposis, distal, type 9; BEALS SYNDROME; Beals-Hecht syndrome. Identifiers: Orphanet 115, MedGen C0220668, MONDO:0007363, OMIM 121050.

Submissions (2):

Mayo Clinic Laboratories, Mayo Clinic
Classification: Pathogenic. Last evaluated: 2023-03-16. Review status: criteria provided, single submitter. Criteria: ACMG Guidelines, 2015. Collection method: clinical testing. Allele origin: germline. Observed: 1 variant allele.
Comment: PP4, PM2_supporting, PS2, PS4_moderate, PVS1_strong

Labcorp Genetics (formerly Invitae), Labcorp
Classification: Pathogenic for Congenital contractural arachnodactyly. Last evaluated: 2021-04-22. Review status: criteria provided, single submitter. Criteria: Invitae Variant Classification Sherloc (09022015). Collection method: clinical testing. Allele origin: germline.
Comment: For these reasons, this variant has been classified as Pathogenic. Disruption of this splice site has been observed in individual(s) with clinical features of FBN2-related conditions (PMID: 11754102). In at least one individual the variant was observed to be de novo. This variant is not present in population databases (ExAC no frequency). This sequence change affects a donor splice site in intron 26 of the FBN2 gene. It is expected to disrupt RNA splicing. Variants that disrupt the donor or acceptor splice site typically lead to a loss of protein function (PMID: 16199547), however the current clinical and genetic evidence is not sufficient to establish whether loss-of-function variants in FBN2 cause disease.

Literature cited by the submitters: PubMed 11754102 (cited by Mayo Clinic Laboratories, Mayo Clinic and Labcorp Genetics (formerly Invitae), Labcorp); PubMed 35360850 (cited by Mayo Clinic Laboratories, Mayo Clinic); PubMed 16199547 (cited by Labcorp Genetics (formerly Invitae), Labcorp).

NM_001999.4(FBN2):c.3472+2T>C

Gene: FBN2 (fibrillin 2; minus strand). Cytogenetic location: 5q23.3.
Variant type: single nucleotide variant.
Coding change: c.3472+2T>C on transcript NM_001999.4 (MANE Select); the canonical splice donor site of the intron after coding-DNA position 3472, T replaced by C.
Molecular consequence: splice donor variant.
Genome position (GRCh38, 1-based): chr5:128,338,931, A>G on the plus strand (T>C on the coding strand, the complement: FBN2 is on the minus strand). VCF-style: chr5-128338931-A-G. GRCh37 (hg19) VCF-style: chr5-127674623-A-G.
Identifiers: ClinVar variation 1454127 (VCV001454127.9), dbSNP rs2126903614, ClinGen allele CA360759709.